The following is an entry in ClinVar:

ClinVar aggregate classification (germline): Uncertain significance. Review status: criteria provided, multiple submitters, no conflicts (2 of 4 stars). 2 submissions from 2 submitters: Uncertain significance (2). Last evaluated 2024-02-29.

Conditions:
Fanconi anemia (FA). Also called: Fanconi's anemia. Identifiers: Orphanet 84, MedGen C0015625, MeSH D005199, MONDO:0019391.
Fanconi anemia complementation group G. Also called: FANCG-Related Fanconi Anemia; Fanconi anemia group G. Identifiers: Orphanet 84, MedGen C3469527, MONDO:0013565, OMIM 614082.

Allele frequency attached by ClinVar (database versions not stated): gnomAD 0.00001 and 0.00005.
gnomAD v4.1: 28 of 1,614,084 alleles (0.0017%); highest among the groups gnomAD compares: South Asian, 0.014%; 1 homozygote.

Submissions (2):

Fulgent Genetics
Classification: Uncertain significance for Fanconi anemia complementation group G. Last evaluated: 2024-02-29. Review status: criteria provided, single submitter. Criteria: ACMG Guidelines, 2015. Collection method: clinical testing. Allele origin: germline.

Labcorp Genetics (formerly Invitae), Labcorp
Classification: Uncertain significance for Fanconi anemia. Last evaluated: 2021-11-19. Review status: criteria provided, single submitter. Criteria: Invitae Variant Classification Sherloc (09022015). Collection method: clinical testing. Allele origin: germline.
Comment: This sequence change replaces arginine, which is basic and polar, with proline, which is neutral and non-polar, at codon 433 of the FANCG protein (p.Arg433Pro). This variant is present in population databases (rs748738986, gnomAD 0.02%). This missense change has been observed in individual(s) with breast cancer (PMID: 28202063). ClinVar contains an entry for this variant (Variation ID: 836235). Algorithms developed to predict the effect of missense changes on protein structure and function (SIFT, PolyPhen-2, Align-GVGD) all suggest that this variant is likely to be tolerated. In summary, the available evidence is currently insufficient to determine the role of this variant in disease. Therefore, it has been classified as a Variant of Uncertain Significance.

Literature cited by the submitters: PubMed 28202063 (cited by Labcorp Genetics (formerly Invitae), Labcorp).

NM_004629.2(FANCG):c.1298G>C (p.Arg433Pro)

Gene: FANCG (FA complementation group G; minus strand). Cytogenetic location: 9p13.3.
Variant type: single nucleotide variant.
Coding change: c.1298G>C on transcript NM_004629.2 (MANE Select); coding-DNA position 1298, G replaced by C.
Protein change: p.Arg433Pro; replaces arginine 433 with proline.
Molecular consequence: missense variant.
Genome position (GRCh38, 1-based): chr9:35,075,600, C>G on the plus strand (G>C on the coding strand, the complement: FANCG is on the minus strand). VCF-style: chr9-35075600-C-G. GRCh37 (hg19) VCF-style: chr9-35075597-C-G.
Other names: short protein forms R433P.
Identifiers: ClinVar variation 836235 (VCV000836235.6), dbSNP rs748738986, ClinGen allele CA5039777.